The following is an entry in ClinVar:

ClinVar aggregate classification (germline): Uncertain significance (1 of 4 stars; one submission).

Allele frequency attached by ClinVar (database versions not stated): gnomAD exomes below 0.00001; gnomAD 0.00001.
gnomAD v4.1: 7 of 1,600,188 alleles (0.00044%); highest among the groups gnomAD compares: Non-Finnish European, 0.00051%; no homozygotes.

Submission:

Labcorp Genetics (formerly Invitae), Labcorp
Classification: Uncertain significance. Last evaluated: 2023-03-01. Review status: criteria provided, single submitter. Criteria: Invitae Variant Classification Sherloc (09022015). Collection method: clinical testing. Allele origin: germline.
Comment: In summary, the available evidence is currently insufficient to determine the role of this variant in disease. Therefore, it has been classified as a Variant of Uncertain Significance. An algorithm developed to predict the effect of missense changes on protein structure and function (PolyPhen-2) suggests that this variant is likely to be disruptive. This variant has not been reported in the literature in individuals affected with IL23R-related conditions. This variant is present in population databases (no rsID available, gnomAD 0.01%). This sequence change replaces isoleucine, which is neutral and non-polar, with serine, which is neutral and polar, at codon 248 of the IL23R protein (p.Ile248Ser).

NM_144701.3(IL23R):c.743T>G (p.Ile248Ser)

Gene: IL23R (interleukin 23 receptor; plus strand). Cytogenetic location: 1p31.3.
Variant type: single nucleotide variant.
Coding change: c.743T>G on transcript NM_144701.3 (MANE Select); coding-DNA position 743, T replaced by G.
Protein change: p.Ile248Ser; replaces isoleucine 248 with serine.
Molecular consequence: missense variant.
Genome position (GRCh38, 1-based): chr1:67,207,000, T>G. VCF-style: chr1-67207000-T-G. GRCh37 (hg19) VCF-style: chr1-67672683-T-G.
Other names: short protein forms I248S.
Identifiers: ClinVar variation 2841839 (VCV002841839.3), dbSNP rs1326898192, ClinGen allele CA340728385.